The following is an entry in ClinVar:

ClinVar aggregate classification (germline): Uncertain significance. Review status: criteria provided, multiple submitters, no conflicts (2 of 4 stars). 2 submissions from 2 submitters: Uncertain significance (2). Last evaluated 2026-01-29.

Conditions:
Familial cold autoinflammatory syndrome 2 (FCAS2). Identifiers: Orphanet 247868, MedGen C2673198, MONDO:0012724, OMIM 611762.

gnomAD v4.1: 1 of 1,614,146 alleles (0.000062%); no homozygotes.

Submissions (2):

Dasa
Classification: Uncertain significance for Familial cold autoinflammatory syndrome 2. Last evaluated: 2026-01-29. Review status: criteria provided, single submitter. Criteria: DASA Assertion Criteria. Collection method: clinical testing. Allele origin: germline.
Comment: NM_144687.4(NLRP12):c.2991C>G (p.Asn997Lys) is a missense variant that results in the substitution of asparagine with lysine. This variant is rare in population databases. The currently available literature and clinical evidence are not sufficient to establish a definitive association between this variant and the reported condition. Therefore, this variant is classified as a variant of uncertain significance.

Labcorp Genetics (formerly Invitae), Labcorp
Classification: Uncertain significance for Familial cold autoinflammatory syndrome 2. Last evaluated: 2025-06-12. Review status: criteria provided, single submitter. Criteria: Invitae Variant Classification Sherloc (09022015). Collection method: clinical testing. Allele origin: germline.
Comment: This sequence change replaces asparagine, which is neutral and polar, with lysine, which is basic and polar, at codon 997 of the NLRP12 protein (p.Asn997Lys). This variant is not present in population databases (gnomAD no frequency). This variant has not been reported in the literature in individuals affected with NLRP12-related conditions. ClinVar contains an entry for this variant (Variation ID: 1361598). Experimental studies and prediction algorithms are not available or were not evaluated, and the functional significance of this variant is currently unknown. In summary, the available evidence is currently insufficient to determine the role of this variant in disease. Therefore, it has been classified as a Variant of Uncertain Significance.

NM_144687.4(NLRP12):c.2991C>G (p.Asn997Lys)

Gene: NLRP12 (NLR family pyrin domain containing 12; minus strand). Cytogenetic location: 19q13.42.
Variant type: single nucleotide variant.
Coding change: c.2991C>G on transcript NM_144687.4 (MANE Select); coding-DNA position 2991, C replaced by G.
Protein change: p.Asn997Lys; replaces asparagine 997 with lysine.
Molecular consequence: missense variant.
Genome position (GRCh38, 1-based): chr19:53,795,966, G>C on the plus strand (C>G on the coding strand, the complement: NLRP12 is on the minus strand). VCF-style: chr19-53795966-G-C. GRCh37 (hg19) VCF-style: chr19-54299220-G-C.
Other names: c.2994C>G, p.Asn998Lys (NM_001277126.2); c.2820C>G, p.Asn940Lys (NM_001277129.1); short protein forms N940K, N998K, N997K.
Identifiers: ClinVar variation 1361598 (VCV001361598.9), dbSNP rs1334288624, ClinGen allele CA407407548.
Genomic context (GRCh38, chr19:53,795,966, plus strand): 5'-CAGTCGGACACCTGTGTCCCCTAGGGCGTTGTTGGTCAGGTAAAGGTCGGTCAAGGTCTG[G>C]TTGATCCCCAGGGTGAAGTAAAGATTCTCACAAGCCTTGGCTGTGAGGCCACAGCTATCC-3'
Protein context (NP_653288.1, residues 987-1007): CENLYFTLGI[Asn997Lys]QTLTDLYLTN